The following is an entry in ClinVar:

NM_005428.4(VAV1):c.2062C>T (p.Arg688Cys)

Gene: VAV1 (vav guanine nucleotide exchange factor 1; plus strand). Cytogenetic location: 19p13.3.
Variant type: single nucleotide variant.
Coding change: c.2062C>T on transcript NM_005428.4 (MANE Select); coding-DNA position 2062, C replaced by T.
Protein change: p.Arg688Cys; replaces arginine 688 with cysteine.
Molecular consequence: missense variant.
Genome position (GRCh38, 1-based): chr19:6,848,047, C>T. VCF-style: chr19-6848047-C-T. GRCh37 (hg19) VCF-style: chr19-6848058-C-T.
Other names: c.1996C>T, p.Arg666Cys (NM_001258206.2); c.1966C>T, p.Arg656Cys (NM_001258207.2); short protein forms R656C, R666C, R688C.
Identifiers: ClinVar variation 1023596 (VCV001023596.7), dbSNP rs41306365, ClinGen allele CA9132837.

ClinVar aggregate classification (germline): Uncertain significance (1 of 4 stars; one submission).

Allele frequency attached by ClinVar (database versions not stated): ExAC 0.00001; gnomAD 0.00001 and 0.00003; gnomAD exomes 0.00001; TOPMed 0.00003; 1000 Genomes Project 0.00020; 1000 Genomes Project 30x 0.00031.

Submission:

Labcorp Genetics (formerly Invitae), Labcorp
Classification: Uncertain significance. Last evaluated: 2021-11-05. Review status: criteria provided, single submitter. Criteria: Invitae Variant Classification Sherloc (09022015). Collection method: clinical testing. Allele origin: germline.
Comment: In summary, the available evidence is currently insufficient to determine the role of this variant in disease. Therefore, it has been classified as a Variant of Uncertain Significance. This sequence change replaces arginine, which is basic and polar, with cysteine, which is neutral and slightly polar, at codon 688 of the VAV1 protein (p.Arg688Cys). The frequency data for this variant in the population databases is considered unreliable, as metrics indicate poor data quality at this position in the gnomAD database. This variant has not been reported in the literature in individuals affected with VAV1-related conditions. ClinVar contains an entry for this variant (Variation ID: 1023596). Algorithms developed to predict the effect of missense changes on protein structure and function are either unavailable or do not agree on the potential impact of this missense change (SIFT: "Deleterious"; PolyPhen-2: "Probably Damaging"; Align-GVGD: "Class C0").